The following is an entry in ClinVar:

ClinVar aggregate classification (germline): Uncertain significance. Review status: criteria provided, multiple submitters, no conflicts (2 of 4 stars). 2 submissions from 2 submitters: Uncertain significance (2). Last evaluated 2025-07-28.

Conditions:
Bethlem myopathy 1A. Also called: MYOPATHY, BENIGN CONGENITAL, WITH CONTRACTURES; Bethlem myopathy 1; Bethlem Muscular Dystrophy. Identifiers: Orphanet 610, MedGen CN029274, MONDO:0024530, OMIM 158810.

Allele frequency attached by ClinVar (database versions not stated): gnomAD exomes below 0.00001; gnomAD 0.00001; TOPMed 0.00001.
gnomAD v4.1: 4 of 1,614,080 alleles (0.00025%); highest among the groups gnomAD compares: African/African-American, 0.0013%; no homozygotes.

Submissions (2):

Labcorp Genetics (formerly Invitae), Labcorp
Classification: Uncertain significance for Bethlem myopathy 1A. Last evaluated: 2025-07-28. Review status: criteria provided, single submitter. Criteria: Invitae Variant Classification Sherloc (09022015). Collection method: clinical testing. Allele origin: germline.
Comment: This sequence change replaces glycine, which is neutral and non-polar, with valine, which is neutral and non-polar, at codon 2505 of the COL6A3 protein (p.Gly2505Val). This variant is present in population databases (rs794727591, gnomAD 0.007%). This missense change has been observed in individual(s) with clinical suspicion of limb-girdle muscular dystrophy (PMID: 30564623). ClinVar contains an entry for this variant (Variation ID: 196980). Invitae Evidence Modeling of protein sequence and biophysical properties (such as structural, functional, and spatial information, amino acid conservation, physicochemical variation, residue mobility, and thermodynamic stability) indicates that this missense variant is expected to disrupt COL6A3 protein function with a positive predictive value of 80%. In summary, the available evidence is currently insufficient to determine the role of this variant in disease. Therefore, it has been classified as a Variant of Uncertain Significance.

Eurofins Ntd Llc (ga)
Classification: Uncertain significance. Last evaluated: 2016-05-18. Review status: criteria provided, single submitter. Criteria: EGL Classification Definitions 2015. Collection method: clinical testing. Allele origin: germline. Observed: 3 variant alleles, 3 heterozygotes.

Literature cited by the submitters: PubMed 30564623 (cited by Labcorp Genetics (formerly Invitae), Labcorp).

NM_004369.4(COL6A3):c.7514G>T (p.Gly2505Val)

Gene: COL6A3 (collagen type VI alpha 3 chain; minus strand). Cytogenetic location: 2q37.3.
Variant type: single nucleotide variant.
Coding change: c.7514G>T on transcript NM_004369.4 (MANE Select); coding-DNA position 7514, G replaced by T.
Protein change: p.Gly2505Val; replaces glycine 2505 with valine.
Molecular consequence: missense variant.
Genome position (GRCh38, 1-based): chr2:237,344,504, C>A on the plus strand (G>T on the coding strand, the complement: COL6A3 is on the minus strand). VCF-style: chr2-237344504-C-A. GRCh37 (hg19) VCF-style: chr2-238253147-C-A.
Other names: c.5693G>T, p.Gly1898Val (NM_057166.5); c.6896G>T, p.Gly2299Val (NM_057167.4); short protein forms G2505V, G1898V, G2299V.
Identifiers: ClinVar variation 196980 (VCV000196980.14), dbSNP rs794727591, ClinGen allele CA244838.
Genomic context (GRCh38, chr2:237,344,504, plus strand): 5'-TGTGGGGATGCTCTTGTGGGTGTGTTGCTGAAGAAAACAGCCACTTTCCTCATTAGGAAT[C>A]CGTTCCTCACACGCTTAAATGTGTTCCTGGCCACAAACGACATGGCAGTCTCCAGACTCT-3'
Protein context (NP_004360.2, residues 2495-2515): ARNTFKRVRN[Gly2505Val]FLMRKVAVFF